The following is an entry in ClinVar:

ClinVar aggregate classification (germline): Uncertain significance. Review status: criteria provided, multiple submitters, no conflicts (2 of 4 stars). 3 submissions from 3 submitters: Uncertain significance (3). Last evaluated 2025-08-20.

Conditions:
Inborn genetic diseases. Identifiers: MedGen C0950123, MeSH D030342.

Allele frequency attached by ClinVar (database versions not stated): TOPMed 0.00003; gnomAD 0.00005.
gnomAD v4.1: 51 of 1,613,530 alleles (0.0032%); highest among the groups gnomAD compares: Admixed American, 0.037%; no homozygotes.

Submissions (3):

Labcorp Genetics (formerly Invitae), Labcorp
Classification: Uncertain significance. Last evaluated: 2025-08-20. Review status: criteria provided, single submitter. Criteria: Invitae Variant Classification Sherloc (09022015). Collection method: clinical testing. Allele origin: germline.
Comment: This sequence change replaces arginine, which is basic and polar, with cysteine, which is neutral and slightly polar, at codon 1469 of the SPEG protein (p.Arg1469Cys). This variant is present in population databases (rs748200228, gnomAD 0.06%). This variant has not been reported in the literature in individuals affected with SPEG-related conditions. ClinVar contains an entry for this variant (Variation ID: 1305103). An algorithm developed to predict the effect of missense changes on protein structure and function (PolyPhen-2) suggests that this variant is likely to be disruptive. In summary, the available evidence is currently insufficient to determine the role of this variant in disease. Therefore, it has been classified as a Variant of Uncertain Significance.

Ambry Genetics
Classification: Uncertain significance for Inborn genetic diseases. Last evaluated: 2025-05-01. Review status: criteria provided, single submitter. Criteria: Ambry Variant Classification Scheme 2023. Collection method: clinical testing. Allele origin: germline.

GeneDx
Classification: Uncertain significance. Last evaluated: 2019-04-18. Review status: criteria provided, single submitter. Criteria: GeneDx Variant Classification Process June 2021. Collection method: clinical testing. Allele origin: germline. Affected: yes.
Comment: In silico analysis, which includes protein predictors and evolutionary conservation, supports a deleterious effect; Has not been previously published as pathogenic or benign to our knowledge

NM_005876.5(SPEG):c.4405C>T (p.Arg1469Cys)

Gene: SPEG (striated muscle enriched protein kinase; plus strand). Cytogenetic location: 2q35.
Variant type: single nucleotide variant.
Coding change: c.4405C>T on transcript NM_005876.5 (MANE Select); coding-DNA position 4405, C replaced by T.
Protein change: p.Arg1469Cys; replaces arginine 1469 with cysteine.
Molecular consequence: missense variant.
Genome position (GRCh38, 1-based): chr2:219,473,861, C>T. VCF-style: chr2-219473861-C-T. GRCh37 (hg19) VCF-style: chr2-220338583-C-T.
Other names: short protein forms R1469C.
Identifiers: ClinVar variation 1305103 (VCV001305103.5), dbSNP rs748200228, ClinGen allele CA2126486.